The following is an entry in ClinVar:

NM_000222.3(KIT):c.1429T>G (p.Ser477Ala)

Gene: KIT (KIT proto-oncogene, receptor tyrosine kinase; plus strand). Cytogenetic location: 4q12.
Variant type: single nucleotide variant.
Coding change: c.1429T>G on transcript NM_000222.3 (MANE Select); coding-DNA position 1429, T replaced by G.
Protein change: p.Ser477Ala; replaces serine 477 with alanine.
Molecular consequence: missense variant.
Genome position (GRCh38, 1-based): chr4:54,725,939, T>G. VCF-style: chr4-54725939-T-G. GRCh37 (hg19) VCF-style: chr4-55592105-T-G.
Other names: c.1429T>G, p.Ser477Ala (NM_001093772.2, NM_001385285.1, NM_001385286.1); c.1432T>G, p.Ser478Ala (NM_001385284.1, NM_001385288.1, NM_001385290.1 and 1 more transcripts); short protein forms S477A, S478A.
Identifiers: ClinVar variation 3534704 (VCV003534704.1).

ClinVar aggregate classification (germline): Uncertain significance (1 of 4 stars; one submission).

Conditions:
Hereditary cancer-predisposing syndrome. Also called: Hereditary Cancer Syndrome; Hereditary neoplastic syndrome; Tumor predisposition; Neoplastic Syndromes, Hereditary. Identifiers: Orphanet 140162, MedGen C0027672, MeSH D009386, MONDO:0015356.

Submission:

Ambry Genetics
Classification: Uncertain significance for Hereditary cancer-predisposing syndrome. Last evaluated: 2024-08-12. Review status: criteria provided, single submitter. Criteria: Ambry Variant Classification Scheme 2023. Collection method: clinical testing. Allele origin: germline.
Comment: The p.S477A variant (also known as c.1429T>G), located in coding exon 9 of the KIT gene, results from a T to G substitution at nucleotide position 1429. The serine at codon 477 is replaced by alanine, an amino acid with similar properties. This amino acid position is conserved. In addition, this alteration is predicted to be tolerated by in silico analysis. Based on the available evidence, the clinical significance of this variant remains unclear.